The following is an entry in ClinVar:

ClinVar aggregate classification (germline): Uncertain significance. Review status: criteria provided, multiple submitters, no conflicts (2 of 4 stars). 2 submissions from 2 submitters: Uncertain significance (2). Last evaluated 2025-10-06.

gnomAD v4.1: 4 of 1,613,926 alleles (0.00025%); highest among the groups gnomAD compares: East Asian, 0.0022%; no homozygotes.

Submissions (2):

Labcorp Genetics (formerly Invitae), Labcorp
Classification: Uncertain significance. Last evaluated: 2025-10-06. Review status: criteria provided, single submitter. Criteria: Invitae Variant Classification Sherloc (09022015). Collection method: clinical testing. Allele origin: germline.
Comment: This sequence change replaces valine, which is neutral and non-polar, with leucine, which is neutral and non-polar, at codon 235 of the NFKB1 protein (p.Val235Leu). The frequency data for this variant in the population databases is considered unreliable, as metrics indicate poor data quality at this position in the gnomAD database. This missense change has been observed in individual(s) with clinical features of NKFB1-related conditions (PMID: 37705523). Invitae Evidence Modeling of protein sequence and biophysical properties (such as structural, functional, and spatial information, amino acid conservation, physicochemical variation, residue mobility, and thermodynamic stability) indicates that this missense variant is expected to disrupt NFKB1 protein function with a positive predictive value of 80%. In summary, the available evidence is currently insufficient to determine the role of this variant in disease. Therefore, it has been classified as a Variant of Uncertain Significance.

Blueprint Genetics
Classification: Uncertain significance. Last evaluated: 2024-05-16. Review status: criteria provided, single submitter. Criteria: ACMG Guidelines, 2015. Collection method: clinical testing. Allele origin: germline.

Literature cited by the submitters: PubMed 37705523 (cited by Labcorp Genetics (formerly Invitae), Labcorp).

NM_003998.4(NFKB1):c.703G>T (p.Val235Leu)

Gene: NFKB1 (nuclear factor kappa B subunit 1; plus strand). Cytogenetic location: 4q24.
Variant type: single nucleotide variant.
Coding change: c.703G>T on transcript NM_003998.4 (MANE Select); coding-DNA position 703, G replaced by T.
Protein change: p.Val235Leu; replaces valine 235 with leucine.
Molecular consequence: missense variant.
Genome position (GRCh38, 1-based): chr4:102,579,012, G>T. VCF-style: chr4-102579012-G-T. GRCh37 (hg19) VCF-style: chr4-103500169-G-T.
Other names: c.700G>T, p.Val234Leu (NM_001165412.2, NM_001319226.2, NM_001382627.1); c.703G>T, p.Val235Leu (NM_001382625.1, NM_001382626.1); c.661G>T, p.Val221Leu (NM_001382628.1); short protein forms V234L, V235L, V221L.
Identifiers: ClinVar variation 4782264 (VCV004782264.2).